The following is an entry in ClinVar:

NM_004836.7(EIF2AK3):c.266G>C (p.Gly89Ala)

Gene: EIF2AK3 (eukaryotic translation initiation factor 2 alpha kinase 3; minus strand). Cytogenetic location: 2p11.2.
Variant type: single nucleotide variant.
Coding change: c.266G>C on transcript NM_004836.7 (MANE Select); coding-DNA position 266, G replaced by C.
Protein change: p.Gly89Ala; replaces glycine 89 with alanine.
Molecular consequence: missense variant.
Genome position (GRCh38, 1-based): chr2:88,627,009, C>G on the plus strand (G>C on the coding strand, the complement: EIF2AK3 is on the minus strand). VCF-style: chr2-88627009-C-G. GRCh37 (hg19) VCF-style: chr2-88926527-C-G.
Other names: short protein forms G89A.
Identifiers: ClinVar variation 1053537 (VCV001053537.7), dbSNP rs2103992221, ClinGen allele CA347763153.

ClinVar aggregate classification (germline): Uncertain significance (1 of 4 stars; one submission).

Allele frequency attached by ClinVar (database versions not stated): gnomAD exomes below 0.00001.
gnomAD v4.1: 2 of 1,608,116 alleles (0.00012%); highest among the groups gnomAD compares: Non-Finnish European, 0.00017%; no homozygotes.

Submission:

Labcorp Genetics (formerly Invitae), Labcorp
Classification: Uncertain significance. Last evaluated: 2020-02-05. Review status: criteria provided, single submitter. Criteria: Invitae Variant Classification Sherloc (09022015). Collection method: clinical testing. Allele origin: germline.
Comment: This variant has not been reported in the literature in individuals with EIF2AK3-related conditions. In summary, the available evidence is currently insufficient to determine the role of this variant in disease. Therefore, it has been classified as a Variant of Uncertain Significance. Algorithms developed to predict the effect of missense changes on protein structure and function output the following: SIFT: "Tolerated"; PolyPhen-2: "Benign"; Align-GVGD: "Class C0". The alanine amino acid residue is found in multiple mammalian species, suggesting that this missense change does not adversely affect protein function. These predictions have not been confirmed by published functional studies and their clinical significance is uncertain. This variant is not present in population databases (ExAC no frequency). This sequence change replaces glycine with alanine at codon 89 of the EIF2AK3 protein (p.Gly89Ala). The glycine residue is weakly conserved and there is a small physicochemical difference between glycine and alanine.